The following is an entry in ClinVar:

ClinVar aggregate classification (germline): Pathogenic (1 of 4 stars; one submission).

Conditions:
Wilms tumor 1 (WT1). Also called: Wilms tumor, somatic. Identifiers: Orphanet 654, MedGen CN033288, MONDO:0008679, OMIM 194070.

Submission:

St. Jude Molecular Pathology, St. Jude Children's Research Hospital
Classification: Pathogenic for Wilms tumor 1. Last evaluated: 2026-10-01. Review status: criteria provided, single submitter. Criteria: St. Jude Assertion Criteria 2020. Collection method: clinical testing. Allele origin: germline.
Comment: The WT1 c.-1958_592del variant is a gross deletion of the gen omic region encompassing the promoter region and exon 1 of the WT1 gene. The 5' end is located upstream of the WT1 promoter. The 3Ã¢ € ™ end of this event is confined to exon 1 of WT1. This deletion is expected to result in an absent or disrupted protein product. Loss-of-function variants in WT1 are known to be pathogenic (PMID: 15483024, 1654525, 18688870). In summary, this variant meets criteria to be classified as pathogenic.

NM_000378.6(WT1):c.-1958_592del

Genes: WT1 (WT1 transcription factor; minus strand), WT1-AS (WT1 antisense RNA; plus strand), LOC107982234 (WT1/WT1-AS bi-directional promoter region; plus strand). Cytogenetic location: 11p13.
Variant type: Deletion.
Coding change: c.-1958_592del on transcript NM_000378.6; 1958 bases upstream of the start codon through coding-DNA position 592, 2,550 bases deleted.
Molecular consequence: initiator codon variant.
Genome position (GRCh38, 1-based): chr11:32,434,769-32,437,318, 2,550 bases deleted. GRCh37 (hg19): chr11:32,456,316-32,458,865.
Identifiers: ClinVar variation 5038354 (VCV005038354.1).